The following is an entry in ClinVar:

ClinVar aggregate classification (germline): Uncertain significance. Review status: criteria provided, multiple submitters, no conflicts (2 of 4 stars). 2 submissions from 2 submitters: Uncertain significance (2). Last evaluated 2024-09-21.

Conditions:
3-methylglutaconic aciduria, type VIIB (MGCA7B). Also called: 3-methylglutaconic aciduria with cataracts, neurologic involvement and neutropenia; CLPB Deficiency; 3-methylglutaconic aciduria, type VII, with cataracts, neurologic involvement and neutropenia. Identifiers: Orphanet 445038, MedGen C5676893, MONDO:0014561, OMIM 616271.

Allele frequency attached by ClinVar (database versions not stated): gnomAD exomes 0.00002; TOPMed 0.00002; ExAC 0.00004.
gnomAD v4.1: 100 of 1,614,000 alleles (0.0062%); highest among the groups gnomAD compares: Middle Eastern, 0.016%; no homozygotes.

Submissions (2):

Labcorp Genetics (formerly Invitae), Labcorp
Classification: Uncertain significance for 3-methylglutaconic aciduria, type VIIB. Last evaluated: 2024-09-21. Review status: criteria provided, single submitter. Criteria: Invitae Variant Classification Sherloc (09022015). Collection method: clinical testing. Allele origin: germline.
Comment: This sequence change replaces arginine, which is basic and polar, with histidine, which is basic and polar, at codon 603 of the CLPB protein (p.Arg603His). This variant is present in population databases (rs765245566, gnomAD 0.004%). This missense change has been observed in individual(s) with congenital neutropenia (PMID: 34115842). ClinVar contains an entry for this variant (Variation ID: 849887). An algorithm developed to predict the effect of missense changes on protein structure and function (PolyPhen-2) suggests that this variant¬†is likely to be tolerated. Experimental studies have shown that this missense change does not substantially affect CLPB function (PMID: 34115842). In summary, the available evidence is currently insufficient to determine the role of this variant in disease. Therefore, it has been classified as a Variant of Uncertain Significance.

Breakthrough Genomics
Classification: Uncertain significance. Review status: criteria provided, single submitter. Criteria: ACMG Guidelines, 2015. Collection method: not provided. Allele origin: germline. Inheritance: Autosomal recessive inheritance. Affected: yes.

Literature cited by the submitters: PubMed 34115842 (cited by Labcorp Genetics (formerly Invitae), Labcorp).

NM_001258392.3(CLPB):c.1718G>A (p.Arg573His)

Gene: CLPB (ClpB family mitochondrial disaggregase; minus strand). Cytogenetic location: 11q13.4.
Variant type: single nucleotide variant.
Coding change: c.1718G>A on transcript NM_001258392.3 (MANE Select); coding-DNA position 1718, G replaced by A.
Protein change: p.Arg573His; replaces arginine 573 with histidine.
Molecular consequence: missense variant.
Genome position (GRCh38, 1-based): chr11:72,294,089, C>T on the plus strand (G>A on the coding strand, the complement: CLPB is on the minus strand). VCF-style: chr11-72294089-C-T. GRCh37 (hg19) VCF-style: chr11-72005133-C-T.
Other names: c.1631G>A, p.Arg544His (NM_001258393.3); c.1673G>A, p.Arg558His (NM_001258394.3); c.1808G>A, p.Arg603His (NM_030813.6); short protein forms R558H, R603H, R573H, R544H.
Identifiers: ClinVar variation 849887 (VCV000849887.10), dbSNP rs765245566, ClinGen allele CA6171058.